The following is an entry in ClinVar:

NM_080680.3(COL11A2):c.2735T>C (p.Val912Ala)

Gene: COL11A2 (collagen type XI alpha 2 chain; minus strand). Cytogenetic location: 6p21.32.
Variant type: single nucleotide variant.
Coding change: c.2735T>C on transcript NM_080680.3 (MANE Select); coding-DNA position 2735, T replaced by C.
Protein change: p.Val912Ala; replaces valine 912 with alanine.
Molecular consequence: missense variant.
Genome position (GRCh38, 1-based): chr6:33,173,349, A>G on the plus strand (T>C on the coding strand, the complement: COL11A2 is on the minus strand). VCF-style: chr6-33173349-A-G. GRCh37 (hg19) VCF-style: chr6-33141126-A-G.
Other names: c.2414T>C, p.Val805Ala (NM_080679.3); c.2477T>C, p.Val826Ala (NM_080681.3); short protein forms V912A, V805A, V826A.
Identifiers: ClinVar variation 356397 (VCV000356397.13), dbSNP rs548592690, ClinGen allele CA3750754.

ClinVar aggregate classification (germline): Uncertain significance. Review status: criteria provided, multiple submitters, no conflicts (2 of 4 stars). 5 submissions from 4 submitters: Uncertain significance (5). Last evaluated 2025-05-08.

Conditions:
Fibrochondrogenesis 2 (FBCG2). Identifiers: Orphanet 2021, MedGen C3281128, MONDO:0013795, OMIM 614524.
Otospondylomegaepiphyseal dysplasia, autosomal recessive (OSMEDB). Also called: Insley-Astley syndrome; CHONDRODYSTROPHY WITH SENSORINEURAL DEAFNESS. Identifiers: Orphanet 1427, MedGen CN034493, MONDO:0044206, OMIM 215150.

Allele frequency attached by ClinVar (database versions not stated): gnomAD exomes 0.00002 and 0.00010; gnomAD 0.00005; TOPMed 0.00006; ExAC 0.00010; 1000 Genomes Project 30x 0.00016; 1000 Genomes Project 0.00020.
gnomAD v4.1: 31 of 1,610,756 alleles (0.0019%); highest among the groups gnomAD compares: East Asian, 0.069%; no homozygotes.

Submissions (5):

GeneDx
Classification: Uncertain significance. Last evaluated: 2025-05-08. Review status: criteria provided, single submitter. Criteria: GeneDx Variant Classification Process June 2021. Collection method: clinical testing. Allele origin: germline.
Comment: In silico analysis suggests that this missense variant does not alter protein structure/function; Has not been previously published as pathogenic or benign to our knowledge

Labcorp Genetics (formerly Invitae), Labcorp
Classification: Uncertain significance. Last evaluated: 2025-03-13. Review status: criteria provided, single submitter. Criteria: Invitae Variant Classification Sherloc (09022015). Collection method: clinical testing. Allele origin: germline.
Comment: This sequence change replaces valine, which is neutral and non-polar, with alanine, which is neutral and non-polar, at codon 912 of the COL11A2 protein (p.Val912Ala). This variant is present in population databases (rs548592690, gnomAD 0.1%). This variant has not been reported in the literature in individuals affected with COL11A2-related conditions. ClinVar contains an entry for this variant (Variation ID: 356397). An algorithm developed to predict the effect of missense changes on protein structure and function (PolyPhen-2) suggests that this variant is likely to be tolerated. In summary, the available evidence is currently insufficient to determine the role of this variant in disease. Therefore, it has been classified as a Variant of Uncertain Significance.

Blueprint Genetics
Classification: Uncertain significance. Last evaluated: 2024-08-28. Review status: criteria provided, single submitter. Criteria: ACMG Guidelines, 2015. Collection method: clinical testing. Allele origin: germline.

Illumina Laboratory Services, Illumina
Classification: Uncertain significance for Otospondylomegaepiphyseal dysplasia, autosomal recessive. Last evaluated: 2018-01-13. Review status: criteria provided, single submitter. Criteria: ICSL Variant Classification Criteria 13 December 2019. Collection method: clinical testing. Allele origin: germline.

Illumina Laboratory Services, Illumina
Classification: Uncertain significance for Fibrochondrogenesis 2. Last evaluated: 2018-01-13. Review status: criteria provided, single submitter. Criteria: ICSL Variant Classification Criteria 13 December 2019. Collection method: clinical testing. Allele origin: germline.